The following is an entry in ClinVar:

ClinVar aggregate classification (germline): Conflicting classifications of pathogenicity. Review status: criteria provided, conflicting classifications (1 of 4 stars). 2 submissions from 2 submitters: Likely pathogenic (1); Uncertain significance (1). Last evaluated 2022-11-10.

Conditions:
Joubert syndrome. Also called: JOUBERT-BOLTSHAUSER SYNDROME; Familial aplasia of the vermis. Identifiers: Orphanet 475, MedGen C5979921, MONDO:0018772.

Submissions (2):

Blueprint Genetics
Classification: Uncertain significance. Last evaluated: 2022-11-10. Review status: criteria provided, single submitter. Criteria: ACMG Guidelines, 2015. Collection method: clinical testing. Allele origin: germline.

Labcorp Genetics (formerly Invitae), Labcorp
Classification: Likely pathogenic for Joubert syndrome. Last evaluated: 2020-10-09. Review status: criteria provided, single submitter. Criteria: Invitae Variant Classification Sherloc (09022015). Collection method: clinical testing. Allele origin: germline.
Comment: This sequence change replaces aspartic acid with asparagine at codon 438 of the INPP5E protein (p.Asp438Asn). The aspartic acid residue is highly conserved and there is a small physicochemical difference between aspartic acid and asparagine. This variant is not present in population databases (ExAC no frequency). This variant has been observed in individual(s) with clinical features of retinitis pigmentosa (Invitae). In at least one individual the data is consistent with the variant being in trans (on the opposite chromosome) from a pathogenic variant. Advanced modeling of protein sequence and biophysical properties (such as structural, functional, and spatial information, amino acid conservation, physicochemical variation, residue mobility, and thermodynamic stability) performed at Invitae indicates that this missense variant is expected to disrupt INPP5E protein function. In summary, the currently available evidence indicates that the variant is pathogenic, but additional data are needed to prove that conclusively. Therefore, this variant has been classified as Likely Pathogenic.

NM_019892.6(INPP5E):c.1312G>A (p.Asp438Asn)

Gene: INPP5E (inositol polyphosphate-5-phosphatase E; minus strand). Cytogenetic location: 9q34.3.
Variant type: single nucleotide variant.
Coding change: c.1312G>A on transcript NM_019892.6 (MANE Select); coding-DNA position 1312, G replaced by A.
Protein change: p.Asp438Asn; replaces aspartic acid 438 with asparagine.
Molecular consequence: missense variant.
Genome position (GRCh38, 1-based): chr9:136,432,554, C>T on the plus strand (G>A on the coding strand, the complement: INPP5E is on the minus strand). VCF-style: chr9-136432554-C-T. GRCh37 (hg19) VCF-style: chr9-139327006-C-T.
Other names: c.1309G>A, p.Asp437Asn (NM_001318502.2); short protein forms D437N, D438N.
Identifiers: ClinVar variation 1067681 (VCV001067681.10), dbSNP rs1835733198, ClinGen allele CA375563549.